The following is an entry in ClinVar:

ClinVar aggregate classification (germline): Uncertain significance (1 of 4 stars; one submission).

Allele frequency attached by ClinVar (database versions not stated): TOPMed below 0.00001; gnomAD 0.00001.
gnomAD v4.1: 1 of 1,614,046 alleles (0.000062%); highest among the groups gnomAD compares: African/African-American, 0.0013%; no homozygotes.

Submission:

Labcorp Genetics (formerly Invitae), Labcorp
Classification: Uncertain significance. Last evaluated: 2022-06-13. Review status: criteria provided, single submitter. Criteria: Invitae Variant Classification Sherloc (09022015). Collection method: clinical testing. Allele origin: germline.
Comment: This variant has not been reported in the literature in individuals affected with MYO5B-related conditions. This variant is not present in population databases (gnomAD no frequency). This sequence change replaces glycine, which is neutral and non-polar, with serine, which is neutral and polar, at codon 1495 of the MYO5B protein (p.Gly1495Ser). Algorithms developed to predict the effect of missense changes on protein structure and function (SIFT, PolyPhen-2, Align-GVGD) all suggest that this variant is likely to be tolerated. In summary, the available evidence is currently insufficient to determine the role of this variant in disease. Therefore, it has been classified as a Variant of Uncertain Significance.

NM_001080467.3(MYO5B):c.4483G>A (p.Gly1495Ser)

Genes: MYO5B (myosin VB; minus strand), SNHG22 (small nucleolar RNA host gene 22; plus strand). Cytogenetic location: 18q21.1.
Variant type: single nucleotide variant.
Coding change: c.4483G>A on transcript NM_001080467.3 (MANE Select); coding-DNA position 4483, G replaced by A.
Protein change: p.Gly1495Ser; replaces glycine 1495 with serine.
Molecular consequence: missense variant.
Genome position (GRCh38, 1-based): chr18:49,843,369, C>T on the plus strand (G>A on the coding strand, the complement: MYO5B is on the minus strand). VCF-style: chr18-49843369-C-T. GRCh37 (hg19) VCF-style: chr18-47369739-C-T.
Other names: short protein forms G1495S.
Identifiers: ClinVar variation 1431456 (VCV001431456.8), dbSNP rs1029533871, ClinGen allele CA299941540.